The following is an entry in ClinVar:

ClinVar aggregate classification (germline): Conflicting classifications of pathogenicity. Review status: criteria provided, conflicting classifications (1 of 4 stars). 3 submissions from 3 submitters: Likely pathogenic (1); Uncertain significance (2). Last evaluated 2025-12-29.

Conditions:
Intellectual developmental disorder, autosomal recessive 52. Also called: Intellectual disability, autosomal recessive 52. Identifiers: Orphanet 88616, MedGen C4225168, MONDO:0014815, OMIM 616887.

Submissions (3):

First Genomix Gene Laboratory, Genetic Diagnostics Department
Classification: Likely pathogenic for Intellectual developmental disorder, autosomal recessive 52. Last evaluated: 2025-12-29. Review status: criteria provided, single submitter. Criteria: ACMG Guidelines, 2015. Collection method: clinical testing. Allele origin: germline. Inheritance: Autosomal recessive inheritance. Affected: no. Observed: 1 variant allele.

Blueprint Genetics
Classification: Uncertain significance. Last evaluated: 2022-01-26. Review status: criteria provided, single submitter. Criteria: ACMG Guidelines, 2015. Collection method: clinical testing. Allele origin: germline.

Revvity Omics, Revvity
Classification: Uncertain significance. Last evaluated: 2021-09-28. Review status: criteria provided, single submitter. Criteria: ACMG Guidelines, 2015. Collection method: clinical testing. Allele origin: germline.

NM_030805.4(LMAN2L):c.22dup (p.Leu8fs)

Gene: LMAN2L (lectin, mannose binding 2 like; minus strand). Cytogenetic location: 2q11.2.
Variant type: Duplication.
Coding change: c.22dup on transcript NM_030805.4 (MANE Select); coding-DNA position 22, one base duplicated (C; older notation c.22dupC).
Protein change: p.Leu8fs; shifts the reading frame from leucine 8.
Molecular consequence: frameshift variant. On other transcripts: 5 prime UTR variant (8).
Genome position (GRCh38, 1-based): chr2:96,740,019, G duplicated on the plus strand (C on the coding strand, the reverse complement: LMAN2L is on the minus strand); the first of 4 consecutive G bases (chr2:96,740,019-96,740,022); duplicating any one gives the same sequence. VCF-style (leftmost placement, unchanged base first): chr2-96740018-A-AG. GRCh37 (hg19) VCF-style: chr2-97405755-A-AG.
Other names: c.22dup, p.Leu8fs (NM_001142292.2); c.-331dup (NM_001322346.2, NM_001322356.2); c.-274dup (NM_001322347.2, NM_001322350.2); c.-212dup (NM_001322351.2); c.-474dup (NM_001322352.2); c.-345dup (NM_001322354.2); c.-412dup (NM_001322355.2); short protein forms L8fs.
Identifiers: ClinVar variation 2433464 (VCV002433464.5), dbSNP rs767860747, ClinGen allele CA1783118.